The following is an entry in ClinVar:

ClinVar aggregate classification (germline): Uncertain significance (1 of 4 stars; one submission).

Conditions:
COG8-congenital disorder of glycosylation. Also called: COG8-CDG; CDG IIh. Identifiers: Orphanet 95428, MedGen C1970021, MONDO:0012635, OMIM 611182.

Submission:

Labcorp Genetics (formerly Invitae), Labcorp
Classification: Uncertain significance for COG8-congenital disorder of glycosylation. Last evaluated: 2023-11-10. Review status: criteria provided, single submitter. Criteria: Invitae Variant Classification Sherloc (09022015). Collection method: clinical testing. Allele origin: germline.
Comment: This sequence change replaces proline, which is neutral and non-polar, with histidine, which is basic and polar, at codon 572 of the COG8 protein (p.Pro572His). This variant is not present in population databases (gnomAD no frequency). This variant has not been reported in the literature in individuals affected with COG8-related conditions. ClinVar contains an entry for this variant (Variation ID: 1421986). An algorithm developed to predict the effect of missense changes on protein structure and function (PolyPhen-2) suggests that this variant is likely to be disruptive. In summary, the available evidence is currently insufficient to determine the role of this variant in disease. Therefore, it has been classified as a Variant of Uncertain Significance.

NM_032382.5(COG8):c.1715C>A (p.Pro572His)

Genes: COG8 (component of oligomeric golgi complex 8; minus strand), LOC130059304 (ATAC-STARR-seq lymphoblastoid silent region 7657; plus strand). Cytogenetic location: 16q22.1.
Variant type: single nucleotide variant.
Coding change: c.1715C>A on transcript NM_032382.5 (MANE Select); coding-DNA position 1715, C replaced by A.
Protein change: p.Pro572His; replaces proline 572 with histidine.
Molecular consequence: missense variant. On other transcripts: intron variant (2).
Genome position (GRCh38, 1-based): chr16:69,330,963, G>T on the plus strand (C>A on the coding strand, the complement: COG8 is on the minus strand). VCF-style: chr16-69330963-G-T. GRCh37 (hg19) VCF-style: chr16-69364866-G-T.
Other names: c.1856C>A, p.Pro619His (NM_001379261.1); c.1715C>A, p.Pro572His (NM_001379262.1, NM_001379264.1); c.1754C>A, p.Pro585His (NM_001379263.1); c.1414-1784C>A (NM_001379266.1); c.1582+1751C>A (NM_001379265.1); short protein forms P572H, P585H, P619H.
Identifiers: ClinVar variation 1421986 (VCV001421986.6), dbSNP rs2143319909, ClinGen allele CA396480415.